The following is an entry in ClinVar:

ClinVar aggregate classification (germline): Uncertain significance (1 of 4 stars; one submission).

Conditions:
Shprintzen-Goldberg syndrome (SGS). Also called: Marfanoid disorder with craniosynostosis type 1; Marfanoid craniosynostosis syndrome; Shprintzen-Goldberg marfanoid syndrome; SHPRINTZEN-GOLDBERG CRANIOSYNOSTOSIS SYNDROME; CRANIOSYNOSTOSIS WITH ARACHNODACTYLY AND ABDOMINAL HERNIAS. Identifiers: Orphanet 2462, MedGen C1321551, MONDO:0008426, OMIM 182212.

gnomAD v4.1: 2 of 1,545,044 alleles (0.00013%); highest among the groups gnomAD compares: Non-Finnish European, 0.00017%; no homozygotes.

Submission:

Labcorp Genetics (formerly Invitae), Labcorp
Classification: Uncertain significance for Shprintzen-Goldberg syndrome. Last evaluated: 2024-12-17. Review status: criteria provided, single submitter. Criteria: Invitae Variant Classification Sherloc (09022015). Collection method: clinical testing. Allele origin: germline.
Comment: This sequence change replaces histidine, which is basic and polar, with tyrosine, which is neutral and polar, at codon 697 of the SKI protein (p.His697Tyr). This variant is not present in population databases (gnomAD no frequency). This missense change has been observed in individual(s) with aortic aneurysm (PMID: 29543232). Invitae Evidence Modeling of protein sequence and biophysical properties (such as structural, functional, and spatial information, amino acid conservation, physicochemical variation, residue mobility, and thermodynamic stability) indicates that this missense variant is not expected to disrupt SKI protein function with a negative predictive value of 95%. In summary, the available evidence is currently insufficient to determine the role of this variant in disease. Therefore, it has been classified as a Variant of Uncertain Significance.

Literature cited by the submitters: PubMed 29543232.

NM_003036.4(SKI):c.2089C>T (p.His697Tyr)

Gene: SKI (SKI proto-oncogene; plus strand). Cytogenetic location: 1p36.32.
Variant type: single nucleotide variant.
Coding change: c.2089C>T on transcript NM_003036.4 (MANE Select); coding-DNA position 2089, C replaced by T.
Protein change: p.His697Tyr; replaces histidine 697 with tyrosine.
Molecular consequence: missense variant.
Genome position (GRCh38, 1-based): chr1:2,306,667, C>T. VCF-style: chr1-2306667-C-T. GRCh37 (hg19) VCF-style: chr1-2238106-C-T.
Other names: short protein forms H697Y.
Identifiers: ClinVar variation 3706327 (VCV003706327.2).